The following is an entry in ClinVar:

NM_001128205.2(SULF1):c.1540A>T (p.Ser514Cys)

Gene: SULF1 (sulfatase 1; plus strand). Cytogenetic location: 8q13.3.
Variant type: single nucleotide variant.
Coding change: c.1540A>T on transcript NM_001128205.2 (MANE Select); coding-DNA position 1540, A replaced by T.
Protein change: p.Ser514Cys; replaces serine 514 with cysteine.
Molecular consequence: missense variant. On other transcripts: 5 prime UTR variant (1), non-coding transcript variant (7).
Genome position (GRCh38, 1-based): chr8:69,621,197, A>T. VCF-style: chr8-69621197-A-T. GRCh37 (hg19) VCF-style: chr8-70533432-A-T.
Other names: c.1540A>T, p.Ser514Cys (NM_001128204.2, NM_001128206.2, NM_001412828.1 and 9 more transcripts); c.1411A>T, p.Ser471Cys (NM_001412832.1, NM_001412838.1, NM_001412839.1 and 1 more transcripts); c.1483A>T, p.Ser495Cys (NM_001412836.1, NM_001412837.1); c.1354A>T, p.Ser452Cys (NM_001412841.1, NM_001412842.1); c.940A>T, p.Ser314Cys (NM_001412844.1, NM_001412845.1); c.-252A>T (NM_001412846.1); short protein forms S314C, S452C, S471C, S495C, S514C.
Identifiers: ClinVar variation 4797990 (VCV004797990.1).

ClinVar aggregate classification (germline): Uncertain significance (1 of 4 stars; one submission).

gnomAD v4.1: 3 of 1,614,110 alleles (0.00019%); highest among the groups gnomAD compares: Admixed American, 0.005%; no homozygotes.

Submission:

Labcorp Genetics (formerly Invitae), Labcorp
Classification: Uncertain significance. Last evaluated: 2025-09-09. Review status: criteria provided, single submitter. Criteria: Invitae Variant Classification Sherloc (09022015). Collection method: clinical testing. Allele origin: germline.
Comment: This sequence change replaces serine, which is neutral and polar, with cysteine, which is neutral and slightly polar, at codon 514 of the SULF1 protein (p.Ser514Cys). This variant is present in population databases (no rsID available, gnomAD 0.009%). This variant has not been reported in the literature in individuals affected with SULF1-related conditions. An algorithm developed to predict the effect of missense changes on protein structure and function (PolyPhen-2) suggests that this variant is likely to be disruptive. In summary, the available evidence is currently insufficient to determine the role of this variant in disease. Therefore, it has been classified as a Variant of Uncertain Significance.